The following is an entry in ClinVar:

NM_138927.4(SON):c.3244T>A (p.Ser1082Thr)

Gene: SON (SON DNA and RNA binding protein; plus strand). Cytogenetic location: 21q22.11.
Variant type: single nucleotide variant.
Coding change: c.3244T>A on transcript NM_138927.4 (MANE Select); coding-DNA position 3244, T replaced by A.
Protein change: p.Ser1082Thr; replaces serine 1082 with threonine.
Molecular consequence: missense variant. On other transcripts: non-coding transcript variant (1), intron variant (1).
Genome position (GRCh38, 1-based): chr21:33,552,475, T>A. VCF-style: chr21-33552475-T-A. GRCh37 (hg19) VCF-style: chr21-34924781-T-A.
Other names: c.3244T>A, p.Ser1082Thr (NM_001291411.2, NM_032195.3); c.245-4681T>A (NM_001291412.3); short protein forms S1082T.
Identifiers: ClinVar variation 1699809 (VCV001699809.2), dbSNP rs2145827675, ClinGen allele CA410159783.

ClinVar aggregate classification (germline): Uncertain significance (1 of 4 stars; one submission).

Allele frequency attached by ClinVar (database versions not stated): gnomAD exomes below 0.00001.
gnomAD v4.1: 1 of 1,614,018 alleles (0.000062%); highest among the groups gnomAD compares: Non-Finnish European, 0.000085%; no homozygotes.

Submission:

GeneDx
Classification: Uncertain significance. Last evaluated: 2022-01-28. Review status: criteria provided, single submitter. Criteria: GeneDx Variant Classification Process June 2021. Collection method: clinical testing. Allele origin: germline. Affected: yes.
Comment: Not observed at significant frequency in large population cohorts (gnomAD); In silico analysis supports that this missense variant does not alter protein structure/function; Has not been previously published as pathogenic or benign to our knowledge